The following is an entry in ClinVar:

ClinVar aggregate classification (germline): Uncertain significance (1 of 4 stars; one submission).

Submission:

Labcorp Genetics (formerly Invitae), Labcorp
Classification: Uncertain significance. Last evaluated: 2018-09-19. Review status: criteria provided, single submitter. Criteria: Invitae Variant Classification Sherloc (09022015). Collection method: clinical testing. Allele origin: germline.
Comment: This variant has not been reported in the literature in individuals with POLE-related disease. In summary, the available evidence is currently insufficient to determine the role of this variant in disease. Therefore, it has been classified as a Variant of Uncertain Significance. Algorithms developed to predict the effect of missense changes on protein structure and function are either unavailable or do not agree on the potential impact of this missense change (SIFT: "Deleterious"; PolyPhen-2: "Probably Damaging"; Align-GVGD: "Class C0"). This variant is not present in population databases (ExAC no frequency). This sequence change replaces aspartic acid with histidine at codon 261 of the POLE protein (p.Asp261His). The aspartic acid residue is highly conserved and there is a moderate physicochemical difference between aspartic acid and histidine.

NM_006231.4(POLE):c.781G>C (p.Asp261His)

Gene: POLE (DNA polymerase epsilon, catalytic subunit; minus strand). Cytogenetic location: 12q24.33.
Variant type: single nucleotide variant.
Coding change: c.781G>C on transcript NM_006231.4 (MANE Select); coding-DNA position 781, G replaced by C.
Protein change: p.Asp261His; replaces aspartic acid 261 with histidine.
Molecular consequence: missense variant.
Genome position (GRCh38, 1-based): chr12:132,677,383, C>G on the plus strand (G>C on the coding strand, the complement: POLE is on the minus strand). VCF-style: chr12-132677383-C-G. GRCh37 (hg19) VCF-style: chr12-133253969-C-G.
Other names: short protein forms D261H.
Identifiers: ClinVar variation 639699 (VCV000639699.8), dbSNP rs1593081010, ClinGen allele CA387364441.
Genomic context (GRCh38, chr12:132,677,383, plus strand): 5'-CTGGAAATTTTAGGATGAAGGTAACACAAGCAAAACTTACAGGTCGTTCAACAAGGTCAT[C>G]TCGGCGGGTGATTTCTACCGGAAAAGCATTTCCTCGGTATCTGACATTGTACCAATGAGC-3'
Protein context (NP_006222.2, residues 251-271): NAFPVEITRR[Asp261His]DLVERPDPVV